The following is an entry in ClinVar:

ClinVar aggregate classification (germline): Benign (1 of 4 stars; one submission).

Allele frequency attached by ClinVar (database versions not stated): gnomAD exomes 0.18694; gnomAD 0.21852 and 0.21962; TOPMed 0.22117; 1000 Genomes Project 30x 0.24594; 1000 Genomes Project 0.24740.

Submission:

GeneDx
Classification: Benign. Last evaluated: 2018-06-19. Review status: criteria provided, single submitter. Criteria: GeneDx Variant Classification (06012015). Collection method: clinical testing. Allele origin: germline. Affected: yes.
Comment: This variant is considered likely benign or benign based on one or more of the following criteria: it is a conservative change, it occurs at a poorly conserved position in the protein, it is predicted to be benign by multiple in silico algorithms, and/or has population frequency not consistent with disease.

NM_003640.5(ELP1):c.3701-124A>C

Gene: ELP1 (elongator acetyltransferase complex subunit 1; minus strand). Cytogenetic location: 9q31.3.
Variant type: single nucleotide variant.
Coding change: c.3701-124A>C on transcript NM_003640.5 (MANE Select); 124 bases into the intron before coding-DNA position 3701, A replaced by C.
Molecular consequence: intron variant.
Genome position (GRCh38, 1-based): chr9:108,878,273, T>G on the plus strand (A>C on the coding strand, the complement: ELP1 is on the minus strand). VCF-style: chr9-108878273-T-G. GRCh37 (hg19) VCF-style: chr9-111640553-T-G.
Other names: c.3359-124A>C (NM_001318360.2); c.2654-124A>C (NM_001330749.2).
Identifiers: ClinVar variation 681948 (VCV000681948.1), dbSNP rs10435855, ClinGen allele CA13089001.
Genomic context (GRCh38, chr9:108,878,273, plus strand): 5'-ATAGCTTCTATCCAAAGCCAAAAATTTCTATGATCCCACTGCAGGTCCTTTCTCCCACAT[T>G]ATCTTTTTTCTTCCCAAATGCTGGAATAATTAAACACATGTACTACAAAAAGAAAATCAA-3'